The following is an entry in ClinVar:

NM_032273.4(TMEM126A):c.191G>A (p.Arg64His)

Gene: TMEM126A (transmembrane protein 126A; plus strand). Cytogenetic location: 11q14.1.
Variant type: single nucleotide variant.
Coding change: c.191G>A on transcript NM_032273.4 (MANE Select); coding-DNA position 191, G replaced by A.
Protein change: p.Arg64His; replaces arginine 64 with histidine.
Molecular consequence: missense variant. On other transcripts: 5 prime UTR variant (1).
Genome position (GRCh38, 1-based): chr11:85,654,167, G>A. VCF-style: chr11-85654167-G-A. GRCh37 (hg19) VCF-style: chr11-85365211-G-A.
Other names: p.R64H:CGC>CAC; c.-20G>A (NM_001244735.2); short protein forms R64H.
Identifiers: ClinVar variation 137670 (VCV000137670.24), dbSNP rs11556797, ClinGen allele CA291325.

ClinVar aggregate classification (germline): Benign/Likely benign. Review status: criteria provided, multiple submitters, no conflicts (2 of 4 stars). 8 submissions from 8 submitters: Benign (3); Likely benign (3). 2 of the submissions do not count toward it. Last evaluated 2026-01-19.

Conditions:
Autosomal recessive optic atrophy, OPA7 type. Also called: OPTIC ATROPHY 7 WITH OR WITHOUT AUDITORY NEUROPATHY. Identifiers: Orphanet 227976, Orphanet 98676, MedGen C2751812, MONDO:0013069, OMIM 612989.

Allele frequency attached by ClinVar (database versions not stated): gnomAD exomes 0.00064 and 0.00161; ExAC 0.00203; ESP Exome Variant Server 0.00631; 1000 Genomes Project 0.00659; TOPMed 0.00686; 1000 Genomes Project 30x 0.00703.
gnomAD v4.1: 1,912 of 1,614,118 alleles (0.12%); highest among the groups gnomAD compares: African/African-American, 2.2%; 21 homozygotes.

Submissions (8):

Labcorp Genetics (formerly Invitae), Labcorp
Classification: Benign. Last evaluated: 2026-01-19. Review status: criteria provided, single submitter. Criteria: Invitae Variant Classification Sherloc (09022015). Collection method: clinical testing. Allele origin: germline.

Blueprint Genetics
Classification: Likely benign. Last evaluated: 2024-11-06. Review status: criteria provided, single submitter. Criteria: ACMG Guidelines, 2015. Collection method: clinical testing. Allele origin: germline.

Illumina Laboratory Services, Illumina
Classification: Benign for Autosomal recessive optic atrophy, OPA7 type. Last evaluated: 2018-01-13. Review status: criteria provided, single submitter. Criteria: ICSL Variant Classification Criteria 13 December 2019. Collection method: clinical testing. Allele origin: germline.
Comment: This variant was observed in the ICSL laboratory as part of a predisposition screen in an ostensibly healthy population. It had not been previously curated by ICSL or reported in the Human Gene Mutation Database (HGMD: prior to June 1st, 2018), and was therefore a candidate for classification through an automated scoring system. Utilizing variant allele frequency, disease prevalence and penetrance estimates, and inheritance mode, an automated score was calculated to assess if this variant is too frequent to cause the disease. Based on the score and internal cut-off values, a variant classified as benign is not then subjected to further curation. The score for this variant resulted in a classification of benign for this disease.

Clinical Genetics DNA and cytogenetics Diagnostics Lab, Erasmus MC, Erasmus Medical Center
Classification: Likely benign for Autosomal recessive optic atrophy, OPA7 type. Last evaluated: 2017-01-16. Review status: criteria provided, single submitter. Criteria: ACGS Guidelines, 2013. Collection method: clinical testing. Allele origin: germline. Affected: yes. Study: VKGL Data-share Consensus.

GeneDx
Classification: Benign. Last evaluated: 2014-03-26. Review status: criteria provided, single submitter. Criteria: GeneDx Variant Classification (06012015). Collection method: clinical testing. Allele origin: germline. Affected: yes.
Comment: This variant is considered likely benign or benign based on one or more of the following criteria: it is a conservative change, it occurs at a poorly conserved position in the protein, it is predicted to be benign by multiple in silico algorithms, and/or has population frequency not consistent with disease.

Breakthrough Genomics
Classification: Likely benign. Review status: criteria provided, single submitter. Criteria: ACMG Guidelines, 2015. Collection method: not provided. Allele origin: germline. Inheritance: Autosomal recessive inheritance. Affected: yes.

Mayo Clinic Laboratories, Mayo Clinic
Classification: Likely benign. Last evaluated: 2016-03-16. Review status: no assertion criteria provided. Collection method: clinical testing. Allele origin: unknown. Not counted in ClinVar's aggregate classification.

Clinical Genetics, Academic Medical Center
Classification: Benign. Review status: no assertion criteria provided. Collection method: clinical testing. Allele origin: germline. Affected: yes. Study: VKGL Data-share Consensus. Not counted in ClinVar's aggregate classification.